The following is an entry in ClinVar:

ClinVar aggregate classification (germline): Uncertain significance (1 of 4 stars; one submission).

gnomAD v4.1: 170 of 1,536,164 alleles (0.011%); highest among the groups gnomAD compares: Middle Eastern, 0.15%; 1 homozygote.

Submission:

Labcorp Genetics (formerly Invitae), Labcorp
Classification: Uncertain significance. Last evaluated: 2025-07-23. Review status: criteria provided, single submitter. Criteria: Invitae Variant Classification Sherloc (09022015). Collection method: clinical testing. Allele origin: germline.
Comment: The FMN1 gene has multiple clinically relevant transcripts. This variant occurs in alternate transcript NM_001277314.1, and corresponds to NM_001103184.3:c.-86418T>G in the primary transcript. This sequence change replaces serine, which is neutral and polar, with alanine, which is neutral and non-polar, at codon 205 of the FMN1 protein (p.Ser205Ala). This variant is present in population databases (rs530336921, gnomAD 0.04%). This variant has not been reported in the literature in individuals affected with FMN1-related conditions. Experimental studies and prediction algorithms are not available or were not evaluated, and the functional significance of this variant is currently unknown. In summary, the available evidence is currently insufficient to determine the role of this variant in disease. Therefore, it has been classified as a Variant of Uncertain Significance.

NM_001277313.2(FMN1):c.613T>G (p.Ser205Ala)

Gene: FMN1 (formin 1; minus strand). Cytogenetic location: 15q13.3.
Variant type: single nucleotide variant.
Coding change: c.613T>G on transcript NM_001277313.2 (MANE Select); coding-DNA position 613, T replaced by G.
Protein change: p.Ser205Ala; replaces serine 205 with alanine.
Molecular consequence: missense variant.
Genome position (GRCh38, 1-based): chr15:33,154,302, A>C on the plus strand (T>G on the coding strand, the complement: FMN1 is on the minus strand). VCF-style: chr15-33154302-A-C. GRCh37 (hg19) VCF-style: chr15-33446503-A-C.
Other names: c.613T>G, p.Ser205Ala (NM_001277314.2); short protein forms S205A.
Identifiers: ClinVar variation 4736645 (VCV004736645.1).